The following is an entry in ClinVar:

ClinVar aggregate classification (germline): Uncertain significance (1 of 4 stars; one submission).

Allele frequency attached by ClinVar (database versions not stated): gnomAD exomes below 0.00001.

Submission:

Labcorp Genetics (formerly Invitae), Labcorp
Classification: Uncertain significance. Last evaluated: 2025-09-15. Review status: criteria provided, single submitter. Criteria: Invitae Variant Classification Sherloc (09022015). Collection method: clinical testing. Allele origin: germline.
Comment: This sequence change replaces lysine, which is basic and polar, with arginine, which is basic and polar, at codon 223 of the DSCAML1 protein (p.Lys223Arg). This variant is not present in population databases (gnomAD no frequency). This variant has not been reported in the literature in individuals affected with DSCAML1-related conditions. ClinVar contains an entry for this variant (Variation ID: 1965691). An algorithm developed to predict the effect of missense changes on protein structure and function (PolyPhen-2) suggests that this variant is likely to be tolerated. In summary, the available evidence is currently insufficient to determine the role of this variant in disease. Therefore, it has been classified as a Variant of Uncertain Significance.

NM_020693.4(DSCAML1):c.488A>G (p.Lys163Arg)

Gene: DSCAML1 (DS cell adhesion molecule like 1; minus strand). Cytogenetic location: 11q23.3.
Variant type: single nucleotide variant.
Coding change: c.488A>G on transcript NM_020693.4 (MANE Select); coding-DNA position 488, A replaced by G.
Protein change: p.Lys163Arg; replaces lysine 163 with arginine.
Molecular consequence: missense variant.
Genome position (GRCh38, 1-based): chr11:117,776,814, T>C on the plus strand (A>G on the coding strand, the complement: DSCAML1 is on the minus strand). VCF-style: chr11-117776814-T-C. GRCh37 (hg19) VCF-style: chr11-117647529-T-C.
Other names: c.488A>G, p.Lys163Arg (NM_001367904.1); c.80A>G, p.Lys27Arg (NM_001367905.1); short protein forms K163R, K27R.
Identifiers: ClinVar variation 1965691 (VCV001965691.5), dbSNP rs2496820403, ClinGen allele CA382758231.